The following is an entry in ClinVar:

ClinVar aggregate classification (germline): Uncertain significance. Review status: criteria provided, multiple submitters, no conflicts (2 of 4 stars). 2 submissions from 2 submitters: Uncertain significance (2). Last evaluated 2026-06-03.

Conditions:
Familial thoracic aortic aneurysm and aortic dissection (TAAD). Also called: Thoracic aortic aneurysms and dissections. Identifiers: Orphanet 91387, MedGen C4707243, MONDO:0019625.
Marfan syndrome (MFS). Also called: MARFAN SYNDROME, TYPE I; Marfan syndrome type 1; Marfan's syndrome; Marfan syndrome, classic; FBN1-Related Marfan Syndrome. Identifiers: Orphanet 284963, Orphanet 558, MedGen C0024796, MONDO:0007947, OMIM 154700.

gnomAD v4.1: 1 of 1,613,892 alleles (0.000062%); no homozygotes.

Submissions (2):

Ambry Genetics
Classification: Uncertain significance for Familial thoracic aortic aneurysm and aortic dissection. Last evaluated: 2026-06-03. Review status: criteria provided, single submitter. Criteria: Ambry Variant Classification Scheme 2023. Collection method: clinical testing. Allele origin: germline.

All of Us Research Program, National Institutes of Health
Classification: Uncertain significance for Marfan syndrome. Last evaluated: 2023-06-08. Review status: criteria provided, single submitter. Criteria: ACMG Guidelines, 2015. Collection method: clinical testing. Allele origin: germline. Inheritance: Autosomal dominant inheritance. Observed: 1 variant allele, 1 heterozygote.
Comment: This missense variant replaces lysine with arginine at codon 1314 of the FBN1 protein. Computational prediction suggests that this variant may not impact protein structure and function (internally defined REVEL score threshold <= 0.5, PMID: 27666373). To our knowledge, functional studies have not been reported for this variant. This variant has not been reported in individuals affected with FBN1-related disorders in the literature. This variant has not been identified in the general population by the Genome Aggregation Database (gnomAD). The available evidence is insufficient to determine the role of this variant in disease conclusively. Therefore, this variant is classified as a Variant of Uncertain Significance.

This study involves interpretation of variants in research participants for the purpose of population health screening. Participant phenotype was not available at the time of variant classification. Additional details can be found in publication PMID: 35346344, PMCID: PMC8962531

NM_000138.5(FBN1):c.3941A>G (p.Lys1314Arg)

Gene: FBN1 (fibrillin 1; minus strand). Cytogenetic location: 15q21.1.
Variant type: single nucleotide variant.
Coding change: c.3941A>G on transcript NM_000138.5 (MANE Select); coding-DNA position 3941, A replaced by G.
Protein change: p.Lys1314Arg; replaces lysine 1314 with arginine.
Molecular consequence: missense variant.
Genome position (GRCh38, 1-based): chr15:48,481,678, T>C on the plus strand (A>G on the coding strand, the complement: FBN1 is on the minus strand). VCF-style: chr15-48481678-T-C. GRCh37 (hg19) VCF-style: chr15-48773875-T-C.
Other names: c.3941A>G, p.Lys1314Arg (NM_001406716.1); short protein forms K1314R.
Identifiers: ClinVar variation 3071606 (VCV003071606.2), dbSNP rs2505533316, ClinGen allele CA392322238.
Genomic context (GRCh38, chr15:48,481,678, plus strand): 5'-TACTTAATATTTTATTGTTCTACTTGAACAAACACACCTGTACAGCCAGTTTTTCCTTTT[T>C]TGCCGGAGTAGCCCATATCACAGTGGCAGATAAATGAGCCTTTCGTGTTTTCACAGGTCC-3'
Protein context (NP_000129.3, residues 1304-1324): ICHCDMGYSG[Lys1314Arg]KGKTGCTDIN